The following is an entry in ClinVar:

ClinVar aggregate classification (germline): Conflicting classifications of pathogenicity. Review status: criteria provided, conflicting classifications (1 of 4 stars). 4 submissions from 4 submitters: Uncertain significance (1); Likely benign (2). 1 of the submissions does not count toward it. Last evaluated 2026-01-18.

Conditions:
ADGRV1-related disorder. Also called: ADGRV1-related disorders; ADGRV1-related condition.
Usher syndrome type 2C. Also called: Usher syndrome, type 2B; USHER SYNDROME, TYPE IIC. Identifiers: Orphanet 231178, Orphanet 886, MedGen C2931213, MONDO:0011558, OMIM 605472.

Allele frequency attached by ClinVar (database versions not stated): gnomAD 0.00014 and 0.00017; ExAC 0.00015; gnomAD exomes 0.00019 and 0.00043; TOPMed 0.00020; 1000 Genomes Project 30x 0.00031; ESP Exome Variant Server 0.00032; 1000 Genomes Project 0.00040.
gnomAD v4.1: 655 of 1,613,768 alleles (0.041%); highest among the groups gnomAD compares: Non-Finnish European, 0.051%; 1 homozygote.

Submissions (4):

Labcorp Genetics (formerly Invitae), Labcorp
Classification: Likely benign. Last evaluated: 2026-01-18. Review status: criteria provided, single submitter. Criteria: Invitae Variant Classification Sherloc (09022015). Collection method: clinical testing. Allele origin: germline.

Blueprint Genetics
Classification: Likely benign. Last evaluated: 2024-10-17. Review status: criteria provided, single submitter. Criteria: ACMG Guidelines, 2015. Collection method: clinical testing. Allele origin: germline.

Illumina Laboratory Services, Illumina
Classification: Uncertain significance for Usher syndrome type 2C. Last evaluated: 2018-01-12. Review status: criteria provided, single submitter. Criteria: ICSL Variant Classification Criteria 13 December 2019. Collection method: clinical testing. Allele origin: germline.

PreventionGenetics, part of Exact Sciences
Classification: Likely benign for ADGRV1-related condition. Last evaluated: 2019-07-22. Review status: no assertion criteria provided. Collection method: clinical testing. Allele origin: germline. Not counted in ClinVar's aggregate classification.
Comment: This variant is classified as likely benign based on ACMG/AMP sequence variant interpretation guidelines (Richards et al. 2015 PMID: 25741868, with internal and published modifications).

NM_032119.4(ADGRV1):c.5265G>A (p.Ala1755=)

Gene: ADGRV1 (adhesion G protein-coupled receptor V1; plus strand). Cytogenetic location: 5q14.3.
Variant type: single nucleotide variant.
Coding change: c.5265G>A on transcript NM_032119.4 (MANE Select); coding-DNA position 5265, G replaced by A.
Protein change: p.Ala1755=; no amino-acid change (alanine 1755 retained).
Molecular consequence: synonymous variant. On other transcripts: non-coding transcript variant (1).
Genome position (GRCh38, 1-based): chr5:90,675,397, G>A. VCF-style: chr5-90675397-G-A. GRCh37 (hg19) VCF-style: chr5-89971214-G-A.
Identifiers: ClinVar variation 770720 (VCV000770720.17), dbSNP rs189232336, ClinGen allele CA3339525.